The following is an entry in ClinVar:

NM_001378454.1(ALMS1):c.3963C>G (p.Asp1321Glu)

Gene: ALMS1 (ALMS1 centrosome and basal body associated protein; plus strand). Cytogenetic location: 2p13.1.
Variant type: single nucleotide variant.
Coding change: c.3963C>G on transcript NM_001378454.1 (MANE Select); coding-DNA position 3963, C replaced by G.
Protein change: p.Asp1321Glu; replaces aspartic acid 1321 with glutamic acid.
Molecular consequence: missense variant.
Genome position (GRCh38, 1-based): chr2:73,450,490, C>G. VCF-style: chr2-73450490-C-G. GRCh37 (hg19) VCF-style: chr2-73677617-C-G.
Other names: c.3966C>G, p.Asp1322Glu (NM_015120.4); short protein forms D1322E, D1321E.
Identifiers: ClinVar variation 1964031 (VCV001964031.5), dbSNP rs766417027, ClinGen allele CA1713620.

ClinVar aggregate classification (germline): Uncertain significance (1 of 4 stars; one submission).

Conditions:
Alstrom syndrome (ALMS). Identifiers: Orphanet 64, MedGen C0268425, MONDO:0008763, OMIM 203800.

Submission:

Labcorp Genetics (formerly Invitae), Labcorp
Classification: Uncertain significance for Alstrom syndrome. Last evaluated: 2022-07-16. Review status: criteria provided, single submitter. Criteria: Invitae Variant Classification Sherloc (09022015). Collection method: clinical testing. Allele origin: germline.
Comment: This sequence change replaces aspartic acid, which is acidic and polar, with glutamic acid, which is acidic and polar, at codon 1322 of the ALMS1 protein (p.Asp1322Glu). This variant is not present in population databases (gnomAD no frequency). In summary, the available evidence is currently insufficient to determine the role of this variant in disease. Therefore, it has been classified as a Variant of Uncertain Significance. Experimental studies and prediction algorithms are not available or were not evaluated, and the functional significance of this variant is currently unknown. This variant has not been reported in the literature in individuals affected with ALMS1-related conditions.